The following continues an entry in ClinVar:

NM_001849.4(COL6A2):c.1970-3C>A

Gene: COL6A2. ClinVar aggregate classification (germline): Conflicting classifications of pathogenicity. Uncertain significance (4); Benign (1); Likely benign (4).

Submissions 13 to 19 of 19:

Dr. Peter K. Rogan Lab, Western University
No classification provided (evidence only). Condition: Familial cancer of breast. Review status: no classification provided. Collection method: in vitro. Allele origin: not applicable. Functional consequence: retained intron. Not counted in ClinVar's aggregate classification.

Dr. Peter K. Rogan Lab, Western University
No classification provided (evidence only). Condition: Familial cancer of breast. Review status: no classification provided. Collection method: in vitro. Allele origin: not applicable. Functional consequence: retained intron. Not counted in ClinVar's aggregate classification.

Dr. Peter K. Rogan Lab, Western University
No classification provided (evidence only). Condition: Acute myeloid leukemia. Review status: no classification provided. Collection method: in vitro. Allele origin: not applicable. Functional consequence: retained intron. Not counted in ClinVar's aggregate classification.

Dr. Peter K. Rogan Lab, Western University
No classification provided (evidence only). Condition: Cervical cancer. Review status: no classification provided. Collection method: in vitro. Allele origin: not applicable. Functional consequence: retained intron. Not counted in ClinVar's aggregate classification.

Dr. Peter K. Rogan Lab, Western University
No classification provided (evidence only). Condition: Nonpapillary renal cell carcinoma. Review status: no classification provided. Collection method: in vitro. Allele origin: not applicable. Functional consequence: retained intron. Not counted in ClinVar's aggregate classification.

Dr. Peter K. Rogan Lab, Western University
No classification provided (evidence only). Condition: Ovarian serous cystadenocarcinoma. Review status: no classification provided. Collection method: in vitro. Allele origin: not applicable. Functional consequence: retained intron. Not counted in ClinVar's aggregate classification.

Dr. Peter K. Rogan Lab, Western University
No classification provided (evidence only). Condition: Malignant tumor of esophagus. Review status: no classification provided. Collection method: in vitro. Allele origin: not applicable. Functional consequence: retained intron. Not counted in ClinVar's aggregate classification.

Literature cited by the submitters: PubMed 30564623 (cited by Women's Health and Genetics/Laboratory Corporation of America, LabCorp); PubMed 27159402 (cited by Women's Health and Genetics/Laboratory Corporation of America, LabCorp); PubMed 24271325 (cited by Women's Health and Genetics/Laboratory Corporation of America, LabCorp); PubMed 15689448 (cited by 3 submitters); PubMed 33567613 (cited by Women's Health and Genetics/Laboratory Corporation of America, LabCorp); PubMed 37091313 (cited by Practice for Gait Abnormalities, David Pomarino, Competency Network Toe Walking C/o Practice Pomarino).